The following is an entry in ClinVar:

ClinVar aggregate classification (germline): Uncertain significance (1 of 4 stars; one submission).

Submission:

Labcorp Genetics (formerly Invitae), Labcorp
Classification: Uncertain significance. Last evaluated: 2024-02-08. Review status: criteria provided, single submitter. Criteria: Invitae Variant Classification Sherloc (09022015). Collection method: clinical testing. Allele origin: germline.
Comment: This sequence change replaces alanine, which is neutral and non-polar, with proline, which is neutral and non-polar, at codon 626 of the SEC63 protein (p.Ala626Pro). This variant is not present in population databases (gnomAD no frequency). This variant has not been reported in the literature in individuals affected with SEC63-related conditions. An algorithm developed to predict the effect of missense changes on protein structure and function (PolyPhen-2) suggests that this variant is likely to be tolerated. In summary, the available evidence is currently insufficient to determine the role of this variant in disease. Therefore, it has been classified as a Variant of Uncertain Significance.

NM_007214.5(SEC63):c.1876G>C (p.Ala626Pro)

Gene: SEC63 (SEC63 protein translocation regulator; minus strand). Cytogenetic location: 6q21.
Variant type: single nucleotide variant.
Coding change: c.1876G>C on transcript NM_007214.5 (MANE Select); coding-DNA position 1876, G replaced by C.
Protein change: p.Ala626Pro; replaces alanine 626 with proline.
Molecular consequence: missense variant.
Genome position (GRCh38, 1-based): chr6:107,881,208, C>G on the plus strand (G>C on the coding strand, the complement: SEC63 is on the minus strand). VCF-style: chr6-107881208-C-G. GRCh37 (hg19) VCF-style: chr6-108202412-C-G.
Other names: short protein forms A626P.
Identifiers: ClinVar variation 3639579 (VCV003639579.2).